The following is an entry in ClinVar:

NM_021098.3(CACNA1H):c.4310G>A (p.Cys1437Tyr)

Gene: CACNA1H (calcium voltage-gated channel subunit alpha1 H; plus strand). Cytogenetic location: 16p13.3.
Variant type: single nucleotide variant.
Coding change: c.4310G>A on transcript NM_021098.3 (MANE Select); coding-DNA position 4310, G replaced by A.
Protein change: p.Cys1437Tyr; replaces cysteine 1437 with tyrosine.
Molecular consequence: missense variant.
Genome position (GRCh38, 1-based): chr16:1,211,254, G>A. VCF-style: chr16-1211254-G-A. GRCh37 (hg19) VCF-style: chr16-1261254-G-A.
Other names: c.4310G>A, p.Cys1437Tyr (NM_001005407.2); short protein forms C1437Y.
Identifiers: ClinVar variation 1498060 (VCV001498060.6), dbSNP rs2141346266, ClinGen allele CA394178444.

ClinVar aggregate classification (germline): Uncertain significance (1 of 4 stars; one submission).

Conditions:
Idiopathic generalized epilepsy. Also called: Generalised epilepsy; EIG. Identifiers: MedGen C0270850, MONDO:0005579, OMIM 600669.
Hyperaldosteronism, familial, type IV (HALD4). Also called: FH IV; ALDOSTERONISM, PRIMARY, AND HYPERTENSION. Identifiers: Orphanet 642671, MedGen C4310756, MONDO:0014875, OMIM 617027.

Submission:

Labcorp Genetics (formerly Invitae), Labcorp
Classification: Uncertain significance for Idiopathic generalized epilepsy; Hyperaldosteronism, familial, type IV. Last evaluated: 2022-06-05. Review status: criteria provided, single submitter. Criteria: Invitae Variant Classification Sherloc (09022015). Collection method: clinical testing. Allele origin: germline.
Comment: This sequence change replaces cysteine, which is neutral and slightly polar, with tyrosine, which is neutral and polar, at codon 1437 of the CACNA1H protein (p.Cys1437Tyr). This variant is not present in population databases (gnomAD no frequency). This variant has not been reported in the literature in individuals affected with CACNA1H-related conditions. ClinVar contains an entry for this variant (Variation ID: 1498060). Advanced modeling of protein sequence and biophysical properties (such as structural, functional, and spatial information, amino acid conservation, physicochemical variation, residue mobility, and thermodynamic stability) performed at Invitae indicates that this missense variant is expected to disrupt CACNA1H protein function. In summary, the available evidence is currently insufficient to determine the role of this variant in disease. Therefore, it has been classified as a Variant of Uncertain Significance.